The following is an entry in ClinVar:

ClinVar aggregate classification (germline): Uncertain significance (1 of 4 stars; one submission).

Allele frequency attached by ClinVar (database versions not stated): gnomAD exomes below 0.00001.
gnomAD v4.1: 1 of 1,612,254 alleles (0.000062%); highest among the groups gnomAD compares: Non-Finnish European, 0.000085%; no homozygotes.

Submission:

Laboratory for Molecular Medicine, Mass General Brigham Personalized Medicine
Classification: Uncertain significance. Last evaluated: 2017-07-11. Review status: criteria provided, single submitter. Criteria: LMM Criteria. Collection method: clinical testing. Allele origin: germline. Observed: 1 variant allele.
Comment: The p.Leu349Val variant in PCDH15 has not been previously reported in individual s with hearing loss or Usher syndrome, or in large population studies. Computati onal prediction tools and conservation analysis do not provide strong support fo r or against an impact to the protein. In summary, the clinical significance of the p.Leu349Val variant is uncertain.

NM_001384140.1(PCDH15):c.1045C>G (p.Leu349Val)

Gene: PCDH15 (protocadherin related 15; minus strand). Cytogenetic location: 10q21.1.
Variant type: single nucleotide variant.
Coding change: c.1045C>G on transcript NM_001384140.1 (MANE Select); coding-DNA position 1045, C replaced by G.
Protein change: p.Leu349Val; replaces leucine 349 with valine.
Molecular consequence: missense variant.
Genome position (GRCh38, 1-based): chr10:54,213,989, G>C on the plus strand (C>G on the coding strand, the complement: PCDH15 is on the minus strand). VCF-style: chr10-54213989-G-C. GRCh37 (hg19) VCF-style: chr10-55973749-G-C.
Other names: c.1060C>G, p.Leu354Val (NM_001142763.2, NM_001142769.4, NM_001142771.2); c.1045C>G, p.Leu349Val (NM_001142764.2, NM_001142765.2, NM_001142766.2 and 7 more transcripts); c.934C>G, p.Leu312Val (NM_001142767.2); c.979C>G, p.Leu327Val (NM_001142768.2, NM_001142773.2, NM_001354404.2); short protein forms L349V, L327V, L312V, L354V.
Identifiers: ClinVar variation 504669 (VCV000504669.5), dbSNP rs1554841242, ClinGen allele CA376523594.